The following is an entry in ClinVar:

ClinVar aggregate classification (germline): Benign (1 of 4 stars; one submission).

Conditions:
Familial cancer of breast. Also called: hereditary breast carcinoma; BREAST CANCER, FAMILIAL; Hereditary breast cancer. Identifiers: Orphanet 227535, MedGen C0346153, MONDO:0016419, OMIM 114480. Disease mechanism: loss of function.

Submission:

Myriad Genetics, Inc.
Classification: Benign for Familial cancer of breast. Last evaluated: 2024-06-17. Review status: criteria provided, single submitter. Criteria: Myriad Autosomal Dominant, Autosomal Recessive and X-Linked Classification Criteria (2023). Collection method: clinical testing. Allele origin: unknown.
Comment: This variant is considered benign. This variant is a silent/synonymous amino acid change and it is not expected to impact splicing.

NM_000051.4(ATM):c.7884T>C (p.Ile2628=)

Genes: ATM (ATM serine/threonine kinase; plus strand), C11orf65 (chromosome 11 open reading frame 65; minus strand). Cytogenetic location: 11q22.3.
Variant type: single nucleotide variant.
Coding change: c.7884T>C on transcript NM_000051.4 (MANE Select); coding-DNA position 7884, T replaced by C.
Protein change: p.Ile2628=; no amino-acid change (isoleucine 2628 retained).
Molecular consequence: synonymous variant. On other transcripts: intron variant (2).
Genome position (GRCh38, 1-based): chr11:108,332,857, T>C. VCF-style: chr11-108332857-T-C. GRCh37 (hg19) VCF-style: chr11-108203584-T-C.
Other names: c.7884T>C, p.Ile2628= (NM_001351834.2); c.641-23786A>G (NM_001330368.2); c.*38+2363A>G (NM_001351110.2).
Identifiers: ClinVar variation 3253929 (VCV003253929.1), dbSNP rs2136569850.
Genomic context (GRCh38, chr11:108,332,857, plus strand): 5'-TATCAGAAGTAGGAGACCTCAGATGGTCAGAAGTGTTGAGGCACTTTGTGATGCTTATAT[T>C]ATATTAGCAAACTTAGATGCCACTCAGTGGAAGACTCAGAGAAGTATGTTTTTTTTAAAG-3'
Protein context (NP_000042.3, residues 2618-2638): RSVEALCDAY[Ile2628=]ILANLDATQW